The following is an entry in ClinVar:

ClinVar aggregate classification (germline): Benign/Likely benign. Review status: criteria provided, multiple submitters, no conflicts (2 of 4 stars). 6 submissions from 6 submitters: Benign (2); Likely benign (4). Last evaluated 2026-06-01.

Conditions:
MCM3AP-related disorder. Also called: MCM3AP-related condition.

Allele frequency attached by ClinVar (database versions not stated): 1000 Genomes Project 0.00100; 1000 Genomes Project 30x 0.00109; ESP Exome Variant Server 0.00346.
gnomAD v4.1: 5,985 of 1,613,686 alleles (0.37%); highest among the groups gnomAD compares: Non-Finnish European, 0.45%; 20 homozygotes.

Submissions (6):

CeGaT Center for Human Genetics Tuebingen
Classification: Likely benign. Last evaluated: 2026-06-01. Review status: criteria provided, single submitter. Criteria: CeGaT Center For Human Genetics Tuebingen Variant Classification Criteria Version 2. Collection method: clinical testing. Allele origin: germline. Affected: yes. Observed: 10 variant alleles.
Comment: MCM3AP: BP4, BP7, BS2

Labcorp Genetics (formerly Invitae), Labcorp
Classification: Benign. Last evaluated: 2026-02-03. Review status: criteria provided, single submitter. Criteria: Invitae Variant Classification Sherloc (09022015). Collection method: clinical testing. Allele origin: germline.

Mayo Clinic Laboratories, Mayo Clinic
Classification: Likely benign. Last evaluated: 2025-07-15. Review status: criteria provided, single submitter. Criteria: ACMG Guidelines, 2015. Collection method: clinical testing. Allele origin: germline. Observed: 11 variant alleles.
Comment: BS1, BP4, BP7

PreventionGenetics, part of Exact Sciences
Classification: Likely benign for MCM3AP-related condition. Last evaluated: 2025-02-21. Review status: criteria provided, single submitter. Criteria: ACMG Guidelines, 2015. Collection method: clinical testing. Allele origin: germline.
Comment: This variant is classified as likely benign based on ACMG/AMP sequence variant interpretation guidelines (Richards et al. 2015 PMID: 25741868, with internal and published modifications).

Blueprint Genetics
Classification: Likely benign. Last evaluated: 2024-11-25. Review status: criteria provided, single submitter. Criteria: ACMG Guidelines, 2015. Collection method: clinical testing. Allele origin: germline.

Breakthrough Genomics
Classification: Benign. Review status: criteria provided, single submitter. Criteria: ACMG Guidelines, 2015. Collection method: not provided. Allele origin: germline. Inheritance: Autosomal recessive inheritance. Affected: yes.

NM_003906.5(MCM3AP):c.5013G>A (p.Pro1671=)

Genes: MCM3AP-AS1 (MCM3AP antisense RNA 1; plus strand), MCM3AP (minichromosome maintenance complex component 3 associated protein; minus strand). Cytogenetic location: 21q22.3.
Variant type: single nucleotide variant.
Coding change: c.5013G>A on transcript NM_003906.5 (MANE Select); coding-DNA position 5013, G replaced by A.
Protein change: p.Pro1671=; no amino-acid change (proline 1671 retained).
Molecular consequence: synonymous variant.
Genome position (GRCh38, 1-based): chr21:46,244,832, C>T on the plus strand (G>A on the coding strand, the complement: MCM3AP is on the minus strand). VCF-style: chr21-46244832-C-T. GRCh37 (hg19) VCF-style: chr21-47664746-C-T.
Other names: p.Pro1671=; c.5013G>A (NM_003906.4).
Identifiers: ClinVar variation 1668821 (VCV001668821.33), dbSNP rs17183255, ClinGen allele CA10075980.